The following is an entry in ClinVar:

NM_006206.6(PDGFRA):c.1851G>A (p.Arg617=)

Gene: PDGFRA (platelet derived growth factor receptor alpha; plus strand). Cytogenetic location: 4q12.
Variant type: single nucleotide variant.
Coding change: c.1851G>A on transcript NM_006206.6 (MANE Select); coding-DNA position 1851, G replaced by A.
Protein change: p.Arg617=; no amino-acid change (arginine 617 retained).
Molecular consequence: synonymous variant.
Genome position (GRCh38, 1-based): chr4:54,277,452, G>A. VCF-style: chr4-54277452-G-A. GRCh37 (hg19) VCF-style: chr4-55143619-G-A.
Other names: c.1851G>A, p.Arg617= (NM_001347827.2, NM_001347829.2); c.1926G>A, p.Arg642= (NM_001347828.2); c.1890G>A, p.Arg630= (NM_001347830.2).
Identifiers: ClinVar variation 1116947 (VCV001116947.12), dbSNP rs1194411887, ClinGen allele CA439287289.

ClinVar aggregate classification (germline): Benign/Likely benign. Review status: criteria provided, multiple submitters, no conflicts (2 of 4 stars). 3 submissions from 3 submitters: Benign (1); Likely benign (2). Last evaluated 2026-06-17.

Conditions:
Hereditary cancer-predisposing syndrome. Also called: Neoplastic Syndromes, Hereditary; Hereditary Cancer Syndrome; Hereditary neoplastic syndrome; Tumor predisposition. Identifiers: Orphanet 140162, MedGen C0027672, MeSH D009386, MONDO:0015356.
Polyps, multiple and recurrent inflammatory fibroid, gastrointestinal. Identifiers: MedGen C5193005, MONDO:0008285, OMIM 175510.
Gastrointestinal stromal tumor. Also called: Gastrointestinal stroma tumor; Gastrointestinal stromal tumor, somatic. Identifiers: Orphanet 44890, MedGen C0238198, MeSH D046152, MONDO:0011719, OMIM 606764, HP:0100723.

Allele frequency attached by ClinVar (database versions not stated): TOPMed below 0.00001.
gnomAD v4.1: 1 of 1,614,038 alleles (0.000062%); highest among the groups gnomAD compares: Admixed American, 0.0017%; no homozygotes.

Submissions (3):

Myriad Genetics, Inc.
Classification: Benign for Polyps, multiple and recurrent inflammatory fibroid, gastrointestinal. Last evaluated: 2026-06-17. Review status: criteria provided, single submitter. Criteria: Myriad Autosomal Dominant, Autosomal Recessive and X-Linked Classification Criteria (2023). Collection method: clinical testing. Allele origin: unknown.
Comment: This variant is considered benign. This variant is a silent/synonymous amino acid change and it is not expected to impact splicing.

Labcorp Genetics (formerly Invitae), Labcorp
Classification: Likely benign for Gastrointestinal stromal tumor. Last evaluated: 2024-05-15. Review status: criteria provided, single submitter. Criteria: Invitae Variant Classification Sherloc (09022015). Collection method: clinical testing. Allele origin: germline.

Ambry Genetics
Classification: Likely benign for Hereditary cancer-predisposing syndrome. Last evaluated: 2019-12-22. Review status: criteria provided, single submitter. Criteria: Ambry Variant Classification Scheme 2023. Collection method: clinical testing. Allele origin: germline.